The following is an entry in ClinVar:

NM_003322.6(TULP1):c.48-3C>T

Gene: TULP1 (TUB like protein 1; minus strand). Cytogenetic location: 6p21.31.
Variant type: single nucleotide variant.
Coding change: c.48-3C>T on transcript NM_003322.6 (MANE Select); 3 bases into the intron before coding-DNA position 48, C replaced by T.
Molecular consequence: intron variant.
Genome position (GRCh38, 1-based): chr6:35,512,693, G>A on the plus strand (C>T on the coding strand, the complement: TULP1 is on the minus strand). VCF-style: chr6-35512693-G-A. GRCh37 (hg19) VCF-style: chr6-35480470-G-A.
Other names: c.48-3C>T (NM_001289395.2).
Identifiers: ClinVar variation 1487656 (VCV001487656.4), dbSNP rs1203082767, ClinGen allele CA566490839.

ClinVar aggregate classification (germline): Uncertain significance (1 of 4 stars; one submission).

Allele frequency attached by ClinVar (database versions not stated): gnomAD exomes below 0.00001; TOPMed 0.00002; gnomAD 0.00003.
gnomAD v4.1: 5 of 1,613,870 alleles (0.00031%); highest among the groups gnomAD compares: African/African-American, 0.0067%; no homozygotes.

Submission:

Labcorp Genetics (formerly Invitae), Labcorp
Classification: Uncertain significance. Last evaluated: 2025-08-21. Review status: criteria provided, single submitter. Criteria: Invitae Variant Classification Sherloc (09022015). Collection method: clinical testing. Allele origin: germline.
Comment: This sequence change falls in intron 1 of the TULP1 gene. It does not directly change the encoded amino acid sequence of the TULP1 protein. It affects a nucleotide within the consensus splice site. This variant is present in population databases (no rsID available, gnomAD 0.007%). This variant has not been reported in the literature in individuals affected with TULP1-related conditions. ClinVar contains an entry for this variant (Variation ID: 1487656). Variants that disrupt the consensus splice site are a relatively common cause of aberrant splicing (PMID: 17576681, 9536098). Algorithms developed to predict the effect of sequence changes on RNA splicing suggest that this variant is not likely to affect RNA splicing. In summary, the available evidence is currently insufficient to determine the role of this variant in disease. Therefore, it has been classified as a Variant of Uncertain Significance.

Literature cited by the submitters: PubMed 17576681; PubMed 9536098.